The following is an entry in ClinVar:

ClinVar aggregate classification (germline): Uncertain significance (1 of 4 stars; one submission).

Conditions:
Cardiovascular phenotype. Identifiers: MedGen CN230736.

Submission:

Ambry Genetics
Classification: Uncertain significance for Cardiovascular phenotype. Last evaluated: 2025-12-01. Review status: criteria provided, single submitter. Criteria: Ambry Variant Classification Scheme 2023. Collection method: clinical testing. Allele origin: germline.
Comment: The p.S41R variant (also known as c.121A>C), located in coding exon 1 of the GATAD1 gene, results from an A to C substitution at nucleotide position 121. The serine at codon 41 is replaced by arginine, an amino acid with dissimilar properties. This amino acid position is conserved. In addition, this alteration is predicted to be tolerated by in silico analysis. Based on the available evidence, the clinical significance of this variant remains unclear.

NM_021167.5(GATAD1):c.121A>C (p.Ser41Arg)

Genes: GATAD1 (GATA zinc finger domain containing 1; plus strand), LOC129998793 (ATAC-STARR-seq lymphoblastoid silent region 18371; plus strand). Cytogenetic location: 7q21.2.
Variant type: single nucleotide variant.
Coding change: c.121A>C on transcript NM_021167.5 (MANE Select); coding-DNA position 121, A replaced by C.
Protein change: p.Ser41Arg; replaces serine 41 with arginine.
Molecular consequence: missense variant. On other transcripts: non-coding transcript variant (1).
Genome position (GRCh38, 1-based): chr7:92,447,850, A>C. VCF-style: chr7-92447850-A-C. GRCh37 (hg19) VCF-style: chr7-92077164-A-C.
Other names: short protein forms S41R.
Identifiers: ClinVar variation 4614242 (VCV004614242.1).